The following is an entry in ClinVar:

NM_001127208.3(TET2):c.3134C>T (p.Ala1045Val)

Genes: TET2 (tet methylcytosine dioxygenase 2; plus strand), TET2-AS1 (TET2 antisense RNA 1; minus strand). Cytogenetic location: 4q24.
Variant type: single nucleotide variant.
Coding change: c.3134C>T on transcript NM_001127208.3 (MANE Select); coding-DNA position 3134, C replaced by T.
Protein change: p.Ala1045Val; replaces alanine 1045 with valine.
Molecular consequence: missense variant.
Genome position (GRCh38, 1-based): chr4:105,237,076, C>T. VCF-style: chr4-105237076-C-T. GRCh37 (hg19) VCF-style: chr4-106158233-C-T.
Other names: c.3134C>T, p.Ala1045Val (NM_017628.4); short protein forms A1045V.
Identifiers: ClinVar variation 3805980 (VCV003805980.1).

ClinVar aggregate classification (germline): Uncertain significance (1 of 4 stars; one submission).

gnomAD v4.1: 2 of 1,614,120 alleles (0.00012%); highest among the groups gnomAD compares: East Asian, 0.0022%; no homozygotes.

Submission:

Ambry Genetics
Classification: Uncertain significance. Last evaluated: 2025-01-19. Review status: criteria provided, single submitter. Criteria: Ambry Variant Classification Scheme 2023. Collection method: clinical testing. Allele origin: germline.
Comment: The p.A1045V variant (also known as c.3134C>T), located in coding exon 1 of the TET2 gene, results from a C to T substitution at nucleotide position 3134. The alanine at codon 1045 is replaced by valine, an amino acid with similar properties. This amino acid position is conserved. In addition, this alteration is predicted to be tolerated by in silico analysis. Based on the available evidence, the clinical significance of this variant remains unclear.